The following is an entry in ClinVar:

NM_024529.5(CDC73):c.923A>C (p.Lys308Thr)

Gene: CDC73 (cell division cycle 73; plus strand). Cytogenetic location: 1q31.2.
Variant type: single nucleotide variant.
Coding change: c.923A>C on transcript NM_024529.5 (MANE Select); coding-DNA position 923, A replaced by C.
Protein change: p.Lys308Thr; replaces lysine 308 with threonine.
Molecular consequence: missense variant.
Genome position (GRCh38, 1-based): chr1:193,152,395, A>C. VCF-style: chr1-193152395-A-C. GRCh37 (hg19) VCF-style: chr1-193121525-A-C.
Other names: short protein forms K308T.
Identifiers: ClinVar variation 2120139 (VCV002120139.4), dbSNP rs376649069, ClinGen allele CA343965773.

ClinVar aggregate classification (germline): Uncertain significance (1 of 4 stars; one submission).

Conditions:
Parathyroid carcinoma (PRTC). Also called: Parathyroid gland carcinoma; CDC73-Related Parathyroid Carcinoma. Identifiers: Orphanet 143, MedGen C0687150, MONDO:0012004, OMIM 608266, HP:0006780.

Submission:

Labcorp Genetics (formerly Invitae), Labcorp
Classification: Uncertain significance for Parathyroid carcinoma. Last evaluated: 2022-09-19. Review status: criteria provided, single submitter. Criteria: Invitae Variant Classification Sherloc (09022015). Collection method: clinical testing. Allele origin: germline.
Comment: This variant has not been reported in the literature in individuals affected with CDC73-related conditions. This variant is not present in population databases (gnomAD no frequency). This sequence change replaces lysine, which is basic and polar, with threonine, which is neutral and polar, at codon 308 of the CDC73 protein (p.Lys308Thr). Advanced modeling of protein sequence and biophysical properties (such as structural, functional, and spatial information, amino acid conservation, physicochemical variation, residue mobility, and thermodynamic stability) performed at Invitae indicates that this missense variant is expected to disrupt CDC73 protein function. In summary, the available evidence is currently insufficient to determine the role of this variant in disease. Therefore, it has been classified as a Variant of Uncertain Significance.